The following is an entry in ClinVar:

ClinVar aggregate classification (germline): Conflicting classifications of pathogenicity. Review status: criteria provided, conflicting classifications (1 of 4 stars). 13 submissions from 13 submitters: Uncertain significance (2); Benign (1); Likely benign (6). 4 of the submissions do not count toward it. Last evaluated 2026-02-02.

Conditions:
Inborn genetic diseases. Identifiers: MedGen C0950123, MeSH D030342.
Neuronal ceroid lipofuscinosis. Also called: Neuronal Ceroid Lipofuscinoses. Identifiers: Orphanet 216, Orphanet 79263, MedGen C0027877, MONDO:0016295. Disease mechanism: loss of function.
Neuronal ceroid lipofuscinosis 3 (CLN3). Identifiers: Orphanet 228346, MedGen C0751383, MONDO:0008767, OMIM 204200.

Allele frequency attached by ClinVar (database versions not stated): ExAC 0.00040; gnomAD 0.00042 and 0.00045; gnomAD exomes 0.00042 and 0.00081; TOPMed 0.00043; ESP Exome Variant Server 0.00054.
gnomAD v4.1: 1,213 of 1,614,088 alleles (0.075%); highest among the groups gnomAD compares: Non-Finnish European, 0.099%; 2 homozygotes.

Submissions (13):

Labcorp Genetics (formerly Invitae), Labcorp
Classification: Likely benign for Neuronal ceroid lipofuscinosis. Last evaluated: 2026-02-02. Review status: criteria provided, single submitter. Criteria: Invitae Variant Classification Sherloc (09022015). Collection method: clinical testing. Allele origin: germline.

Blueprint Genetics
Classification: Likely benign. Last evaluated: 2024-10-09. Review status: criteria provided, single submitter. Criteria: ACMG Guidelines, 2015. Collection method: clinical testing. Allele origin: germline.

CeGaT Center for Human Genetics Tuebingen
Classification: Likely benign. Last evaluated: 2024-07-01. Review status: criteria provided, single submitter. Criteria: CeGaT Center For Human Genetics Tuebingen Variant Classification Criteria Version 2. Collection method: clinical testing. Allele origin: germline. Affected: yes. Observed: 4 variant alleles.
Comment: CLN3: BP4, BP7

Genome-Nilou Lab
Classification: Likely benign for Neuronal ceroid lipofuscinosis 3. Last evaluated: 2021-08-10. Review status: criteria provided, single submitter. Criteria: ACMG Guidelines, 2015. Collection method: clinical testing. Allele origin: germline. Affected: no.

Illumina Laboratory Services, Illumina
Classification: Uncertain significance for Neuronal ceroid lipofuscinosis 3. Last evaluated: 2018-01-13. Review status: criteria provided, single submitter. Criteria: ICSL Variant Classification Criteria 13 December 2019. Collection method: clinical testing. Allele origin: germline.

Ambry Genetics
Classification: Likely benign for Inborn genetic diseases. Last evaluated: 2017-02-27. Review status: criteria provided, single submitter. Criteria: Ambry Variant Classification Scheme 2023. Collection method: clinical testing. Allele origin: germline.

Eurofins Ntd Llc (ga)
Classification: Uncertain significance. Last evaluated: 2015-11-24. Review status: criteria provided, single submitter. Criteria: EGL Classification Definitions 2015. Collection method: clinical testing. Allele origin: germline. Observed: 2 variant alleles, 2 heterozygotes.

GeneDx
Classification: Benign. Last evaluated: 2014-05-22. Review status: criteria provided, single submitter. Criteria: GeneDx Variant Classification (06012015). Collection method: clinical testing. Allele origin: germline. Affected: yes.
Comment: This variant is considered likely benign or benign based on one or more of the following criteria: it is a conservative change, it occurs at a poorly conserved position in the protein, it is predicted to be benign by multiple in silico algorithms, and/or has population frequency not consistent with disease.

PreventionGenetics, part of Exact Sciences
Classification: Likely benign. Review status: criteria provided, single submitter. Criteria: ACMG Guidelines, 2015. Collection method: clinical testing. Allele origin: germline.

Clinical Genetics DNA and cytogenetics Diagnostics Lab, Erasmus MC, Erasmus Medical Center
Classification: Likely benign. Review status: no assertion criteria provided. Collection method: clinical testing. Allele origin: germline. Affected: yes. Study: VKGL Data-share Consensus. Not counted in ClinVar's aggregate classification.

Clinical Genetics, Academic Medical Center
Classification: Benign. Review status: no assertion criteria provided. Collection method: clinical testing. Allele origin: germline. Affected: yes. Study: VKGL Data-share Consensus. Not counted in ClinVar's aggregate classification.

Genome Diagnostics Laboratory, Amsterdam University Medical Center
Classification: Likely benign. Review status: no assertion criteria provided. Collection method: clinical testing. Allele origin: germline. Affected: yes. Study: VKGL Data-share Consensus. Not counted in ClinVar's aggregate classification.

Genome Diagnostics Laboratory, University Medical Center Utrecht
Classification: Likely benign. Review status: no assertion criteria provided. Collection method: clinical testing. Allele origin: germline. Affected: yes. Study: VKGL Data-share Consensus. Not counted in ClinVar's aggregate classification.

NM_001042432.2(CLN3):c.831G>A (p.Val277=)

Gene: CLN3 (CLN3 lysosomal/endosomal transmembrane protein, battenin; minus strand). Cytogenetic location: 16p12.1.
Variant type: single nucleotide variant.
Coding change: c.831G>A on transcript NM_001042432.2 (MANE Select); coding-DNA position 831, G replaced by A.
Protein change: p.Val277=; no amino-acid change (valine 277 retained).
Molecular consequence: synonymous variant.
Genome position (GRCh38, 1-based): chr16:28,482,632, C>T on the plus strand (G>A on the coding strand, the complement: CLN3 is on the minus strand). VCF-style: chr16-28482632-C-T. GRCh37 (hg19) VCF-style: chr16-28493953-C-T.
Other names: p.V277V:GTG>GTA; c.831G>A, p.Val277= (NM_000086.2); c.759G>A, p.Val253= (NM_001286104.2); c.531G>A, p.Val177= (NM_001286105.2); c.597G>A, p.Val199= (NM_001286109.2); c.669G>A, p.Val223= (NM_001286110.2).
Identifiers: ClinVar variation 136780 (VCV000136780.63), dbSNP rs1142183, ClinGen allele CA290108.